The following is an entry in ClinVar:

ClinVar aggregate classification (germline): Uncertain significance. Review status: criteria provided, multiple submitters, no conflicts (2 of 4 stars). 7 submissions from 7 submitters: Uncertain significance (7). Last evaluated 2026-01-08.

Conditions:
Familial ovarian cancer. Identifiers: MedGen C5679802, MONDO:0016248.
Hereditary cancer-predisposing syndrome. Also called: Hereditary Cancer Syndrome; Neoplastic Syndromes, Hereditary; Tumor predisposition; Hereditary neoplastic syndrome. Identifiers: Orphanet 140162, MedGen C0027672, MeSH D009386, MONDO:0015356.
Fanconi anemia complementation group J. Also called: BRIP1-Related Fanconi Anemia. Identifiers: Orphanet 84, MedGen C1836860, MONDO:0012187, OMIM 609054.
Familial cancer of breast. Also called: Hereditary breast cancer; hereditary breast carcinoma; BREAST CANCER, FAMILIAL. Identifiers: Orphanet 227535, MedGen C0346153, MONDO:0016419, OMIM 114480. Disease mechanism: loss of function.

Allele frequency attached by ClinVar (database versions not stated): gnomAD exomes below 0.00001; TOPMed below 0.00001; gnomAD 0.00001; ESP Exome Variant Server 0.00008.
gnomAD v4.1: 3 of 1,613,704 alleles (0.00019%); highest among the groups gnomAD compares: African/African-American, 0.0013%; no homozygotes.

Submissions (7):

Labcorp Genetics (formerly Invitae), Labcorp
Classification: Uncertain significance for Familial cancer of breast; Fanconi anemia complementation group J. Last evaluated: 2026-01-08. Review status: criteria provided, single submitter. Criteria: Invitae Variant Classification Sherloc (09022015). Collection method: clinical testing. Allele origin: germline.
Comment: This sequence change replaces valine, which is neutral and non-polar, with isoleucine, which is neutral and non-polar, at codon 723 of the BRIP1 protein (p.Val723Ile). This variant is not present in population databases (gnomAD no frequency). This missense change has been observed in individual(s) with breast cancer (PMID: 26921362). ClinVar contains an entry for this variant (Variation ID: 230464). Invitae Evidence Modeling of protein sequence and biophysical properties (such as structural, functional, and spatial information, amino acid conservation, physicochemical variation, residue mobility, and thermodynamic stability) indicates that this missense variant is not expected to disrupt BRIP1 protein function with a negative predictive value of 95%. In summary, the available evidence is currently insufficient to determine the role of this variant in disease. Therefore, it has been classified as a Variant of Uncertain Significance.

Molecular Pathology, Peter Maccallum Cancer Centre
Classification: Uncertain significance for Familial ovarian cancer. Last evaluated: 2025-01-03. Review status: criteria provided, single submitter. Criteria: ACMG Guidelines, 2015. Collection method: clinical testing. Allele origin: germline. Inheritance: Autosomal dominant inheritance.

Ambry Genetics
Classification: Uncertain significance for Hereditary cancer-predisposing syndrome. Last evaluated: 2024-02-01. Review status: criteria provided, single submitter. Criteria: Ambry Variant Classification Scheme 2023. Collection method: clinical testing. Allele origin: germline.
Comment: The p.V723I variant (also known as c.2167G>A), located in coding exon 14 of the BRIP1 gene, results from a G to A substitution at nucleotide position 2167. The valine at codon 723 is replaced by isoleucine, an amino acid with highly similar properties. This alteration was observed in 1 of 64523 individuals with a personal history of breast cancer (Easton DF et al. J Med Genet, 2016 05;53:298-309). This amino acid position is highly conserved in available vertebrate species. In addition, this alteration is predicted to be tolerated by in silico analysis. Based on the available evidence, the clinical significance of this alteration remains unclear.

GeneDx
Classification: Uncertain significance. Last evaluated: 2023-10-08. Review status: criteria provided, single submitter. Criteria: GeneDx Variant Classification Process June 2021. Collection method: clinical testing. Allele origin: germline. Affected: yes.
Comment: Not observed at significant frequency in large population cohorts (gnomAD); In silico analysis supports that this missense variant does not alter protein structure/function; Observed in an individual with breast cancer (Easton et al., 2016); This variant is associated with the following publications: (PMID: 26921362)

Baylor Genetics
Classification: Uncertain significance for Familial cancer of breast. Last evaluated: 2023-06-06. Review status: criteria provided, single submitter. Criteria: ACMG Guidelines, 2015. Collection method: clinical testing. Allele origin: unknown.

Women's Health and Genetics/Laboratory Corporation of America, LabCorp
Classification: Uncertain significance. Last evaluated: 2020-01-27. Review status: criteria provided, single submitter. Criteria: LabCorp Variant Classification Summary - May 2015. Collection method: clinical testing. Allele origin: germline.
Comment: Variant summary: BRIP1 c.2167G>A (p.Val723Ile) results in a conservative amino acid change located in the ATP-dependent helicase, C-terminal domain of the encoded protein sequence. Three of five in-silico tools predict a benign effect of the variant on protein function. The variant allele was found at a frequency of 3.8e-06 in 261718 control chromosomes. The available data on variant occurrences in the general population are insufficient to allow any conclusion about variant significance. c.2167G>A has been reported in the literature in one individual affected with Breast Cancer (Easton_2016). This report does not provide unequivocal conclusions about association of the variant with Breast Cancer. To our knowledge, no experimental evidence demonstrating an impact on protein function has been reported. Four clinical diagnostic laboratories have submitted clinical-significance assessments for this variant to ClinVar after 2014 without evidence for independent evaluation. All laboratories classified the variant as uncertain significance. Based on the evidence outlined above, the variant was classified as uncertain significance.

Color Diagnostics, LLC DBA Color Health
Classification: Uncertain significance for Hereditary cancer-predisposing syndrome. Last evaluated: 2019-01-18. Review status: criteria provided, single submitter. Criteria: ACMG Guidelines, 2015. Collection method: clinical testing. Allele origin: germline.

Literature cited by the submitters: PubMed 26921362 (cited by 3 submitters).

NM_032043.3(BRIP1):c.2167G>A (p.Val723Ile)

Gene: BRIP1 (BRCA1 interacting DNA helicase 1; minus strand). Cytogenetic location: 17q23.2.
Variant type: single nucleotide variant.
Coding change: c.2167G>A on transcript NM_032043.3 (MANE Select); coding-DNA position 2167, G replaced by A.
Protein change: p.Val723Ile; replaces valine 723 with isoleucine.
Molecular consequence: missense variant.
Genome position (GRCh38, 1-based): chr17:61,744,522, C>T on the plus strand (G>A on the coding strand, the complement: BRIP1 is on the minus strand). VCF-style: chr17-61744522-C-T. GRCh37 (hg19) VCF-style: chr17-59821883-C-T.
Other names: short protein forms V723I.
Identifiers: ClinVar variation 230464 (VCV000230464.24), dbSNP rs145616741, ClinGen allele CA10577559.